The following is an entry in ClinVar:

ClinVar aggregate classification (germline): Uncertain significance (1 of 4 stars; one submission).

Conditions:
Inborn genetic diseases. Identifiers: MedGen C0950123, MeSH D030342.

gnomAD v4.1: 1 of 1,614,202 alleles (0.000062%); highest among the groups gnomAD compares: Non-Finnish European, 0.000085%; no homozygotes.

Submission:

Ambry Genetics
Classification: Uncertain significance for Inborn genetic diseases. Last evaluated: 2022-03-04. Review status: criteria provided, single submitter. Criteria: Ambry Variant Classification Scheme 2023. Collection method: clinical testing. Allele origin: germline.
Comment: The p.G92S variant (also known as c.274G>A), located in coding exon 3 of the MDH2 gene, results from a G to A substitution at nucleotide position 274. The glycine at codon 92 is replaced by serine, an amino acid with similar properties. This amino acid position is conserved. In addition, this alteration is predicted to be deleterious by in silico analysis. Since supporting evidence is limited at this time, the clinical significance of this alteration remains unclear.

NM_005918.4(MDH2):c.274G>A (p.Gly92Ser)

Gene: MDH2 (malate dehydrogenase 2; plus strand). Cytogenetic location: 7q11.23.
Variant type: single nucleotide variant.
Coding change: c.274G>A on transcript NM_005918.4 (MANE Select); coding-DNA position 274, G replaced by A.
Protein change: p.Gly92Ser; replaces glycine 92 with serine.
Molecular consequence: missense variant. On other transcripts: 5 prime UTR variant (1).
Genome position (GRCh38, 1-based): chr7:76,057,448, G>A. VCF-style: chr7-76057448-G-A. GRCh37 (hg19) VCF-style: chr7-75686766-G-A.
Other names: c.274G>A, p.Gly92Ser (NM_001282403.2); c.-48G>A (NM_001282404.2); short protein forms G92S.
Identifiers: ClinVar variation 1795536 (VCV001795536.2), dbSNP rs145477708, ClinGen allele CA367763413.